The following is an entry in ClinVar:

ClinVar aggregate classification (germline): Uncertain significance (1 of 4 stars; one submission).

Conditions:
Hereditary nonpolyposis colorectal neoplasms. Identifiers: MedGen C0009405, MeSH D003123.

Submission:

Labcorp Genetics (formerly Invitae), Labcorp
Classification: Uncertain significance for Hereditary nonpolyposis colorectal neoplasms. Last evaluated: 2022-01-01. Review status: criteria provided, single submitter. Criteria: Invitae Variant Classification Sherloc (09022015). Collection method: clinical testing. Allele origin: germline.
Comment: In summary, the available evidence is currently insufficient to determine the role of this variant in disease. Therefore, it has been classified as a Variant of Uncertain Significance. Advanced modeling of protein sequence and biophysical properties (such as structural, functional, and spatial information, amino acid conservation, physicochemical variation, residue mobility, and thermodynamic stability) performed at Invitae indicates that this missense variant is expected to disrupt MSH6 protein function. This variant has not been reported in the literature in individuals affected with MSH6-related conditions. This variant is not present in population databases (gnomAD no frequency). This sequence change replaces glutamic acid, which is acidic and polar, with lysine, which is basic and polar, at codon 463 of the MSH6 protein (p.Glu463Lys).

NM_000179.3(MSH6):c.1387G>A (p.Glu463Lys)

Gene: MSH6 (mutS homolog 6; plus strand). Cytogenetic location: 2p16.3.
Variant type: single nucleotide variant.
Coding change: c.1387G>A on transcript NM_000179.3 (MANE Select); coding-DNA position 1387, G replaced by A.
Protein change: p.Glu463Lys; replaces glutamic acid 463 with lysine.
Molecular consequence: missense variant.
Genome position (GRCh38, 1-based): chr2:47,799,370, G>A. VCF-style: chr2-47799370-G-A. GRCh37 (hg19) VCF-style: chr2-48026509-G-A.
Other names: c.997G>A, p.Glu333Lys (NM_001281492.2); c.481G>A, p.Glu161Lys (NM_001281493.2, NM_001281494.2, NM_001406811.1 and 6 more transcripts); c.1483G>A, p.Glu495Lys (NM_001406795.1, NM_001406802.1); c.1387G>A, p.Glu463Lys (NM_001406796.1, NM_001406798.1, NM_001406800.1 and 4 more transcripts); c.1090G>A, p.Glu364Lys (NM_001406797.1, NM_001406801.1, NM_001406805.1 and 10 more transcripts); c.862G>A, p.Glu288Lys (NM_001406799.1, NM_001406806.1, NM_001406807.1); c.1309G>A, p.Glu437Lys (NM_001406804.1); c.1393G>A, p.Glu465Lys (NM_001406813.1); and 1 more; short protein forms E288K, E495K, E333K, E437K, E463K, E161K, E364K, E407K.
Identifiers: ClinVar variation 2162051 (VCV002162051.4), dbSNP rs864622435, ClinGen allele CA346745060.